The following is an entry in ClinVar:

NM_177438.3(DICER1):c.559C>A (p.Arg187=)

Gene: DICER1 (dicer 1, ribonuclease III; minus strand). Cytogenetic location: 14q32.13.
Variant type: single nucleotide variant.
Coding change: c.559C>A on transcript NM_177438.3 (MANE Select); coding-DNA position 559, C replaced by A.
Protein change: p.Arg187=; no amino-acid change (arginine 187 retained).
Molecular consequence: synonymous variant.
Genome position (GRCh38, 1-based): chr14:95,130,072, G>T on the plus strand (C>A on the coding strand, the complement: DICER1 is on the minus strand). VCF-style: chr14-95130072-G-T. GRCh37 (hg19) VCF-style: chr14-95596409-G-T.
Other names: c.559C>A, p.Arg187= (NM_001195573.1, NM_001271282.3, NM_001291628.2 and 1 more transcripts).
Identifiers: ClinVar variation 242142 (VCV000242142.20), dbSNP rs763801533, ClinGen allele CA7331642.

ClinVar aggregate classification (germline): Conflicting classifications of pathogenicity. Review status: criteria provided, conflicting classifications (1 of 4 stars). 4 submissions from 4 submitters: Uncertain significance (1); Benign (1); Likely benign (2). Last evaluated 2026-04-15.

Conditions:
DICER1-related tumor predisposition. Also called: DICER1-related pleuropulmonary blastoma cancer predisposition syndrome; DICER1 syndrome. Identifiers: Orphanet 284343, MedGen C3839822, MONDO:0100216.
Hereditary cancer-predisposing syndrome. Also called: Hereditary neoplastic syndrome; Neoplastic Syndromes, Hereditary; Hereditary Cancer Syndrome; Tumor predisposition. Identifiers: Orphanet 140162, MedGen C0027672, MeSH D009386, MONDO:0015356.

Allele frequency attached by ClinVar (database versions not stated): gnomAD 0.00001; gnomAD exomes 0.00004 and 0.00002; TOPMed 0.00001.
gnomAD v4.1: 54 of 1,613,100 alleles (0.0033%); highest among the groups gnomAD compares: Non-Finnish European, 0.0044%; no homozygotes.

Submissions (4):

Myriad Genetics, Inc.
Classification: Benign for DICER1-related tumor predisposition. Last evaluated: 2026-04-15. Review status: criteria provided, single submitter. Criteria: Myriad Autosomal Dominant, Autosomal Recessive and X-Linked Classification Criteria (2023). Collection method: clinical testing. Allele origin: unknown.
Comment: This variant is considered benign. This variant is a silent/synonymous amino acid change and it is not expected to impact splicing.

Labcorp Genetics (formerly Invitae), Labcorp
Classification: Likely benign for DICER1-related tumor predisposition. Last evaluated: 2026-01-14. Review status: criteria provided, single submitter. Criteria: Invitae Variant Classification Sherloc (09022015). Collection method: clinical testing. Allele origin: germline.

Institute for Clinical Genetics, University Hospital TU Dresden, University Hospital TU Dresden
Classification: Uncertain significance. Last evaluated: 2021-11-03. Review status: criteria provided, single submitter. Criteria: ACMG Guidelines, 2015. Collection method: clinical testing. Allele origin: germline.

Ambry Genetics
Classification: Likely benign for Hereditary cancer-predisposing syndrome. Last evaluated: 2017-05-01. Review status: criteria provided, single submitter. Criteria: Ambry Variant Classification Scheme 2023. Collection method: clinical testing. Allele origin: germline.